The following is an entry in ClinVar:

ClinVar aggregate classification (germline): Uncertain significance (1 of 4 stars; one submission).

Allele frequency attached by ClinVar (database versions not stated): ExAC 0.00001; gnomAD 0.00001; TOPMed 0.00002; gnomAD exomes 0.00003.
gnomAD v4.1: 45 of 1,614,000 alleles (0.0028%); highest among the groups gnomAD compares: Non-Finnish European, 0.0036%; no homozygotes.

Submission:

Labcorp Genetics (formerly Invitae), Labcorp
Classification: Uncertain significance. Last evaluated: 2023-05-29. Review status: criteria provided, single submitter. Criteria: Invitae Variant Classification Sherloc (09022015). Collection method: clinical testing. Allele origin: germline.
Comment: In summary, the available evidence is currently insufficient to determine the role of this variant in disease. Therefore, it has been classified as a Variant of Uncertain Significance. Advanced modeling of protein sequence and biophysical properties (such as structural, functional, and spatial information, amino acid conservation, physicochemical variation, residue mobility, and thermodynamic stability) performed at Invitae indicates that this missense variant is not expected to disrupt PPP1R15B protein function. This variant has not been reported in the literature in individuals affected with PPP1R15B-related conditions. This variant is present in population databases (rs768334424, gnomAD 0.0009%). This sequence change replaces isoleucine, which is neutral and non-polar, with valine, which is neutral and non-polar, at codon 598 of the PPP1R15B protein (p.Ile598Val).

NM_032833.5(PPP1R15B):c.1792A>G (p.Ile598Val)

Gene: PPP1R15B (protein phosphatase 1 regulatory subunit 15B; minus strand). Cytogenetic location: 1q32.1.
Variant type: single nucleotide variant.
Coding change: c.1792A>G on transcript NM_032833.5 (MANE Select); coding-DNA position 1792, A replaced by G.
Protein change: p.Ile598Val; replaces isoleucine 598 with valine.
Molecular consequence: missense variant.
Genome position (GRCh38, 1-based): chr1:204,409,620, T>C on the plus strand (A>G on the coding strand, the complement: PPP1R15B is on the minus strand). VCF-style: chr1-204409620-T-C. GRCh37 (hg19) VCF-style: chr1-204378748-T-C.
Other names: short protein forms I598V.
Identifiers: ClinVar variation 2905788 (VCV002905788.3), dbSNP rs768334424, ClinGen allele CA1346567.